The following continues an entry in ClinVar:

NM_004168.4(SDHA):c.1753C>T (p.Arg585Trp)

Gene: SDHA. ClinVar aggregate classification (germline): Pathogenic/Likely pathogenic. Pathogenic (4); Likely pathogenic (7).

Submissions 9 to 16 of 16:

Myriad Genetics, Inc.
Classification: Likely pathogenic for Pheochromocytoma/paraganglioma syndrome 5. Last evaluated: 2023-04-24. Review status: criteria provided, single submitter. Criteria: Myriad Autosomal Dominant, Autosomal Recessive and X-Linked Classification Criteria (2023). Collection method: clinical testing. Allele origin: unknown.
Comment: This variant is considered likely pathogenic. This variant has been reported in multiple individuals with clinical features of gene-specific disease [PMID: 30050099, 28546994, 21752896, 23666964]. This variant is expected to disrupt protein structure [Myriad internal data].

Dasa
Classification: Likely pathogenic for Neurodegeneration with ataxia and late-onset optic atrophy. Last evaluated: 2022-02-05. Review status: criteria provided, single submitter. Criteria: ACMG Guidelines, 2015. Collection method: clinical testing. Allele origin: germline. Affected: yes. Observed: 1 variant allele.
Comment: The c.1753C>T;p.(Arg585Trp) missense variant has been observed in affected individual(s) and ClinVar contains an entry for this variant (ClinVar ID: 160358; PMID: 21752896; 23666964; 28500238; 25720320; 29177515; 30050099) - PS4. The variant is located in a mutational hot spot and/or critical and well-established functional domain (Succ_DH_flav_C) - PM1. The variant is present at low allele frequencies population databases (rs200397144 – gnomAD 0.00001314%; ABraOM no frequency) - PM2_supporting. Multiple lines of computational evidence support a deleterious effect on the gene or gene product - PP3. In summary, the currently available evidence indicates that the variant is likely pathogenic.

CeGaT Center for Human Genetics Tuebingen
Classification: Likely pathogenic. Last evaluated: 2020-01-01. Review status: criteria provided, single submitter. Criteria: CeGaT Center For Human Genetics Tuebingen Variant Classification Criteria Version 2. Collection method: clinical testing. Allele origin: germline. Affected: yes. Observed: 4 variant alleles.

Counsyl
Classification: Uncertain significance for Pheochromocytoma/paraganglioma syndrome 5. Last evaluated: 2017-11-01. Review status: no assertion criteria provided. Collection method: clinical testing. Allele origin: unknown. Not counted in ClinVar's aggregate classification.

OMIM
Classification: Pathogenic for PHEOCHROMOCYTOMA/PARAGANGLIOMA SYNDROME 5. Last evaluated: 2011-09-01. Review status: no assertion criteria provided. Collection method: literature only. Allele origin: germline. Not counted in ClinVar's aggregate classification.

Genome Diagnostics Laboratory, Amsterdam University Medical Center
Classification: Likely pathogenic. Review status: no assertion criteria provided. Collection method: clinical testing. Allele origin: germline. Affected: yes. Study: VKGL Data-share Consensus. Not counted in ClinVar's aggregate classification.

Joint Genome Diagnostic Labs from Nijmegen and Maastricht, Radboudumc and MUMC+
Classification: Pathogenic. Review status: no assertion criteria provided. Collection method: clinical testing. Allele origin: germline. Affected: yes. Study: VKGL Data-share Consensus. Not counted in ClinVar's aggregate classification.

Fulgent Genetics
Classification: Uncertain significance for Mitochondrial complex II deficiency, nuclear type 1; Leigh syndrome; Dilated cardiomyopathy 1GG; Pheochromocytoma/paraganglioma syndrome 5. Last evaluated: 2018-10-31. Review status: flagged submission. Criteria: ACMG Guidelines, 2015. Collection method: clinical testing. Allele origin: unknown. Not counted in ClinVar's aggregate classification.
ClinVar note: Reason: Older and outlier claim with insufficient supporting evidence

Literature cited by the submitters: PubMed 21752896 (cited by 9 submitters); PubMed 23666964 (cited by 8 submitters); PubMed 25720320 (cited by 6 submitters); PubMed 28500238 (cited by 5 submitters); PubMed 29177515 (cited by 5 submitters); PubMed 30050099 (cited by 6 submitters); PubMed 30877234 (cited by 3 submitters); PubMed 36593350 (cited by Quest Diagnostics Nichols Institute San Juan Capistrano and Women's Health and Genetics/Laboratory Corporation of America, LabCorp); PubMed 35171114 (cited by Quest Diagnostics Nichols Institute San Juan Capistrano and Women's Health and Genetics/Laboratory Corporation of America, LabCorp); PubMed 28546994 (cited by 4 submitters); PubMed 27011036 (cited by 3 submitters); PubMed 35988656 (cited by Women's Health and Genetics/Laboratory Corporation of America, LabCorp); PubMed 26198225 (cited by Ambry Genetics).